The following is an entry in ClinVar:

ClinVar aggregate classification (germline): Pathogenic/Likely pathogenic. Review status: criteria provided, multiple submitters, no conflicts (2 of 4 stars). 4 submissions from 4 submitters: Pathogenic (3); Likely pathogenic (1). Last evaluated 2026-01-12.

Conditions:
Cardiovascular phenotype. Identifiers: MedGen CN230736.
Cardiomyopathy (CMYO). Also called: Cardiomyopathies. Identifiers: Orphanet 167848, MedGen C0878544, MONDO:0004994, HP:0001638. Inheritance: Various modes of inheritance.
Arrhythmogenic right ventricular cardiomyopathy (ARVD). Also called: Arrhythmogenic right ventricular dysplasia; Arrhythmogenic cardiomyopathy; Arrhythmogenic Right Ventricular Cardiomyopathy (ARVC); Cardiomyopathy, ARVC. Identifiers: Orphanet 247, MedGen C0349788, MeSH D019571, MONDO:0016587. Disease mechanism: loss of function. Inheritance: Various modes of inheritance.

Submissions (4):

GeneDx
Classification: Pathogenic. Last evaluated: 2026-01-12. Review status: criteria provided, single submitter. Criteria: GeneDx Variant Classification Process June 2021. Collection method: clinical testing. Allele origin: germline. Affected: yes.
Comment: Not observed at significant frequency in large population cohorts (gnomAD); Frameshift variant predicted to result in protein truncation or nonsense mediated decay in a gene for which loss-of-function is a known mechanism of disease; This variant is associated with the following publications: (PMID: 31402444, 20857253, 31386562, 34120153)

Color Diagnostics, LLC DBA Color Health
Classification: Pathogenic for Cardiomyopathy. Last evaluated: 2020-05-24. Review status: criteria provided, single submitter. Criteria: ACMG Guidelines, 2015. Collection method: clinical testing. Allele origin: germline.
Comment: This variant deletes 1 nucleotide in exon 8 of the PKP2 gene, creating a frameshift and premature translation stop signal. This variant is expected to result in an absent or non-functional protein product. To our knowledge, this variant has not been reported in individuals affected with cardiovascular disorders in the literature. This variant has not been identified in the general population by the Genome Aggregation Database (gnomAD). Loss of PKP2 function is a known mechanism of disease. Based on the available evidence, this variant is classified as Pathogenic.

Ambry Genetics
Classification: Pathogenic for Cardiovascular phenotype. Last evaluated: 2018-04-12. Review status: criteria provided, single submitter. Criteria: Ambry Variant Classification Scheme 2023. Collection method: clinical testing. Allele origin: germline.
Comment: The c.1759delG pathogenic mutation, located in coding exon 8 of the PKP2 gene, results from a deletion of one nucleotide at nucleotide position 1759, causing a translational frameshift with a predicted alternate stop codon (p.V587Sfs*69). This alteration has been reported in an arrhythmogenic right ventricular cardiomyopathy (ARVC) cohort (Tan BY et al. J Cardiovasc Transl Res, 2010 Dec;3:663-73). In addition to the clinical data presented in the literature, this alteration is expected to result in loss of function by premature protein truncation or nonsense-mediated mRNA decay. As such, this alteration is interpreted as a disease-causing mutation.

Laboratory for Molecular Medicine, Mass General Brigham Personalized Medicine
Classification: Likely pathogenic for Arrhythmogenic right ventricular cardiomyopathy. Last evaluated: 2010-12-14. Review status: criteria provided, single submitter. Criteria: LMM Criteria. Collection method: clinical testing. Allele origin: germline. Observed: 4 variant alleles.
Comment: The Val587fs variant has not been reported in the literature and has not been pr eviously detected by our laboratory. This variant is predicted to cause a frame shift, which alters the protein's amino acid sequence beginning at codon 587 and leads to a premature stop codon 69 amino acids downstream. This alteration is t hen predicted to lead to a truncated or absent protein (loss of function). Patho genic loss of function variants are common in the PKP2 gene, which makes it high ly likely that the Val587fs is pathogenic.

Literature cited by the submitters: PubMed 20857253 (cited by Ambry Genetics).

NM_001005242.3(PKP2):c.1627del (p.Val543fs)

Gene: PKP2 (plakophilin 2; minus strand). Cytogenetic location: 12p11.21.
Variant type: Deletion.
Coding change: c.1627del on transcript NM_001005242.3 (MANE Select); coding-DNA position 1627, one base deleted (G; older notation c.1627delG).
Protein change: p.Val543fs; shifts the reading frame from valine 543.
Molecular consequence: frameshift variant.
Genome position (GRCh38, 1-based): chr12:32,824,092, C deleted on the plus strand (G on the coding strand, the reverse complement: PKP2 is on the minus strand); the first of 2 consecutive C bases (chr12:32,824,092-32,824,093); deleting either gives the same sequence. VCF-style (leftmost placement, unchanged base first): chr12-32824091-AC-A. GRCh37 (hg19) VCF-style: chr12-32977025-AC-A.
Other names: c.1759delG (NM_004572.3); c.1759del, p.Val587fs (NM_004572.4); short protein forms V543fs, V587fs.
Identifiers: ClinVar variation 45045 (VCV000045045.15), dbSNP rs397517008, ClinGen allele CA011381.